The following is an entry in ClinVar:

NM_012452.3(TNFRSF13B):c.472G>A (p.Asp158Asn)

Gene: TNFRSF13B (TNF receptor superfamily member 13B; minus strand). Cytogenetic location: 17p11.2.
Variant type: single nucleotide variant.
Coding change: c.472G>A on transcript NM_012452.3 (MANE Select); coding-DNA position 472, G replaced by A.
Protein change: p.Asp158Asn; replaces aspartic acid 158 with asparagine.
Molecular consequence: missense variant.
Genome position (GRCh38, 1-based): chr17:16,940,485, C>T on the plus strand (G>A on the coding strand, the complement: TNFRSF13B is on the minus strand). VCF-style: chr17-16940485-C-T. GRCh37 (hg19) VCF-style: chr17-16843799-C-T.
Other names: short protein forms D158N.
Identifiers: ClinVar variation 1021448 (VCV001021448.5), dbSNP rs1206383760, ClinGen allele CA398519678.
Genomic context (GRCh38, chr17:16,940,485, plus strand): 5'-AGCAGCAGAGGACGGCACACAGGCAGAGCCCCAGCGTGCTGTAGACCAGGGCCACCTGAT[C>T]TGCACTCAGCTTCAGCCCCGGGAGAGCTGCAAGACAGCATGAGACCCCTCTCTGCAGTGC-3'
Protein context (NP_036584.1, residues 148-168): PALPGLKLSA[Asp158Asn]QVALVYSTLG

ClinVar aggregate classification (germline): Uncertain significance (1 of 4 stars; one submission).

Conditions:
Immunodeficiency, common variable, 2 (CVID2). Also called: HYPOGAMMAGLOBULINEMIA DUE TO TACI DEFICIENCY; ANTIBODY DEFICIENCY DUE TO TACI DEFECT. Identifiers: Orphanet 1572, MedGen C3150354, MONDO:0009413, OMIM 240500.

Submission:

Labcorp Genetics (formerly Invitae), Labcorp
Classification: Uncertain significance for Immunodeficiency, common variable, 2. Last evaluated: 2018-06-29. Review status: criteria provided, single submitter. Criteria: Invitae Variant Classification Sherloc (09022015). Collection method: clinical testing. Allele origin: germline.
Comment: Algorithms developed to predict the effect of missense changes on protein structure and function are either unavailable or do not agree on the potential impact of this missense change (SIFT: "Deleterious"; PolyPhen-2: "Possibly Damaging"; Align-GVGD: "Class C0"). In summary, the available evidence is currently insufficient to determine the role of this variant in disease. Therefore, it has been classified as a Variant of Uncertain Significance. This variant has not been reported in the literature in individuals with TNFRSF13B-related disease. This variant is not present in population databases (ExAC no frequency). This sequence change replaces aspartic acid with asparagine at codon 158 of the TNFRSF13B protein (p.Asp158Asn). The aspartic acid residue is moderately conserved and there is a small physicochemical difference between aspartic acid and asparagine.